The following is an entry in ClinVar:

ClinVar aggregate classification (germline): Likely pathogenic (1 of 4 stars; one submission).

Conditions:
Fanconi anemia (FA). Also called: Fanconi's anemia. Identifiers: Orphanet 84, MedGen C0015625, MeSH D005199, MONDO:0019391.

Allele frequency attached by ClinVar (database versions not stated): gnomAD exomes below 0.00001.
gnomAD v4.1: 1 of 1,597,768 alleles (0.000063%); highest among the groups gnomAD compares: Non-Finnish European, 0.000086%; no homozygotes.

Submission:

Labcorp Genetics (formerly Invitae), Labcorp
Classification: Likely pathogenic for Fanconi anemia. Last evaluated: 2023-03-18. Review status: criteria provided, single submitter. Criteria: Invitae Variant Classification Sherloc (09022015). Collection method: clinical testing. Allele origin: germline.
Comment: This sequence change affects a donor splice site in intron 27 of the FANCI gene. It is expected to disrupt RNA splicing. Variants that disrupt the donor or acceptor splice site typically lead to a loss of protein function (PMID: 16199547), and loss-of-function variants in FANCI are known to be pathogenic (PMID: 17452773, 17460694). This variant is not present in population databases (gnomAD no frequency). This variant has not been reported in the literature in individuals affected with FANCI-related conditions. Algorithms developed to predict the effect of sequence changes on RNA splicing suggest that this variant may disrupt the consensus splice site. In summary, the currently available evidence indicates that the variant is pathogenic, but additional data are needed to prove that conclusively. Therefore, this variant has been classified as Likely Pathogenic.

Literature cited by the submitters: PubMed 16199547; PubMed 17452773; PubMed 17460694.

NM_001113378.2(FANCI):c.3006+1G>A

Gene: FANCI (FA complementation group I; plus strand). Cytogenetic location: 15q26.1.
Variant type: single nucleotide variant.
Coding change: c.3006+1G>A on transcript NM_001113378.2 (MANE Select); the canonical splice donor site of the intron after coding-DNA position 3006, G replaced by A.
Molecular consequence: splice donor variant.
Genome position (GRCh38, 1-based): chr15:89,301,443, G>A. VCF-style: chr15-89301443-G-A. GRCh37 (hg19) VCF-style: chr15-89844674-G-A.
Other names: c.2826+1G>A (NM_018193.3); c.3006+1G>A (NM_001376911.1); c.2727+1G>A (NM_001376910.1).
Identifiers: ClinVar variation 2846928 (VCV002846928.3), dbSNP rs2507937769, ClinGen allele CA393738061.